The following is an entry in ClinVar:

NM_022489.4(INF2):c.2206C>T (p.Pro736Ser)

Gene: INF2 (inverted formin 2; plus strand). Cytogenetic location: 14q32.33.
Variant type: single nucleotide variant.
Coding change: c.2206C>T on transcript NM_022489.4 (MANE Select); coding-DNA position 2206, C replaced by T.
Protein change: p.Pro736Ser; replaces proline 736 with serine.
Molecular consequence: missense variant.
Genome position (GRCh38, 1-based): chr14:104,710,155, C>T. VCF-style: chr14-104710155-C-T. GRCh37 (hg19) VCF-style: chr14-105176492-C-T.
Other names: c.2206C>T, p.Pro736Ser (NM_001031714.4); short protein forms P736S.
Identifiers: ClinVar variation 1720740 (VCV001720740.5), dbSNP rs2541933661, ClinGen allele CA391220501.
Genomic context (GRCh38, chr14:104,710,155, plus strand): 5'-CTGCGAATCGAGTGCATGCTGCTGTGTGAGGGCGCGGCCGCCGTGCTGGACATGGTGCGG[C>T]CCAAGGCCCAGCTGGTGCTGGCTGCCTGCGAAAGTGAGTGGGGCCAAGCGGGGCACGTGT-3'
Protein context (NP_071934.3, residues 726-746): GAAAVLDMVR[Pro736Ser]KAQLVLAACE

ClinVar aggregate classification (germline): Uncertain significance (1 of 4 stars; one submission).

Conditions:
Focal segmental glomerulosclerosis 5 (FSGS5). Identifiers: Orphanet 656, MedGen C2750475, MONDO:0013191, OMIM 613237.
Charcot-Marie-Tooth disease dominant intermediate E. Also called: CHARCOT-MARIE-TOOTH NEUROPATHY WITH FOCAL SEGMENTAL GLOMERULONEPHRITIS. Identifiers: Orphanet 93114, MedGen C4302667, MONDO:0013758, OMIM 614455.

Submission:

Labcorp Genetics (formerly Invitae), Labcorp
Classification: Uncertain significance for Charcot-Marie-Tooth disease dominant intermediate E; Focal segmental glomerulosclerosis 5. Last evaluated: 2022-10-01. Review status: criteria provided, single submitter. Criteria: Invitae Variant Classification Sherloc (09022015). Collection method: clinical testing. Allele origin: germline.
Comment: This sequence change replaces proline, which is neutral and non-polar, with serine, which is neutral and polar, at codon 736 of the INF2 protein (p.Pro736Ser). This variant is not present in population databases (gnomAD no frequency). This variant has not been reported in the literature in individuals affected with INF2-related conditions. Advanced modeling of protein sequence and biophysical properties (such as structural, functional, and spatial information, amino acid conservation, physicochemical variation, residue mobility, and thermodynamic stability) performed at Invitae indicates that this missense variant is not expected to disrupt INF2 protein function. In summary, the available evidence is currently insufficient to determine the role of this variant in disease. Therefore, it has been classified as a Variant of Uncertain Significance.